The following is an entry in ClinVar:

NM_001130987.2(DYSF):c.2050G>A (p.Glu684Lys)

Gene: DYSF (dysferlin; plus strand). Cytogenetic location: 2p13.2.
Variant type: single nucleotide variant.
Coding change: c.2050G>A on transcript NM_001130987.2 (MANE Select); coding-DNA position 2050, G replaced by A.
Protein change: p.Glu684Lys; replaces glutamic acid 684 with lysine.
Molecular consequence: missense variant.
Genome position (GRCh38, 1-based): chr2:71,553,872, G>A. VCF-style: chr2-71553872-G-A. GRCh37 (hg19) VCF-style: chr2-71781002-G-A.
Other names: c.1957G>A, p.Glu653Lys (NM_001130986.2, NM_001130984.2); c.1996G>A, p.Glu666Lys (NM_003494.4, NM_001130978.2); c.1999G>A, p.Glu667Lys (NM_001130455.2, NM_001130983.2); c.1954G>A, p.Glu652Lys (NM_001130976.2, NM_001130977.2); c.2089G>A, p.Glu697Lys (NM_001130979.2); c.2047G>A, p.Glu683Lys (NM_001130980.2, NM_001130981.2); c.2092G>A, p.Glu698Lys (NM_001130982.2); c.2050G>A, p.Glu684Lys (NM_001130985.2); short protein forms E667K, E684K, E697K, E652K, E698K, E653K, E683K, E666K.
Identifiers: ClinVar variation 4746320 (VCV004746320.1).

ClinVar aggregate classification (germline): Uncertain significance (1 of 4 stars; one submission).

Conditions:
Neuromuscular disease caused by qualitative or quantitative defects of dysferlin. Also called: Dysferlinopathy; Qualitative or quantitative defects of dysferlin. Identifiers: Orphanet 207073, MedGen C2931687, MONDO:0016145.

Submission:

Labcorp Genetics (formerly Invitae), Labcorp
Classification: Uncertain significance for Neuromuscular disease caused by qualitative or quantitative defects of dysferlin. Last evaluated: 2025-03-19. Review status: criteria provided, single submitter. Criteria: Invitae Variant Classification Sherloc (09022015). Collection method: clinical testing. Allele origin: germline.
Comment: This sequence change replaces glutamic acid, which is acidic and polar, with lysine, which is basic and polar, at codon 666 of the DYSF protein (p.Glu666Lys). This variant is not present in population databases (gnomAD no frequency). This variant has not been reported in the literature in individuals affected with DYSF-related conditions. Invitae Evidence Modeling of protein sequence and biophysical properties (such as structural, functional, and spatial information, amino acid conservation, physicochemical variation, residue mobility, and thermodynamic stability) indicates that this missense variant is expected to disrupt DYSF protein function with a positive predictive value of 95%. In summary, the available evidence is currently insufficient to determine the role of this variant in disease. Therefore, it has been classified as a Variant of Uncertain Significance.